The following is an entry in ClinVar:

NM_018062.4(FANCL):c.182C>G (p.Thr61Arg)

Gene: FANCL (FA complementation group L; minus strand). Cytogenetic location: 2p16.1.
Variant type: single nucleotide variant.
Coding change: c.182C>G on transcript NM_018062.4 (MANE Select); coding-DNA position 182, C replaced by G.
Protein change: p.Thr61Arg; replaces threonine 61 with arginine.
Molecular consequence: missense variant.
Genome position (GRCh38, 1-based): chr2:58,229,848, G>C on the plus strand (C>G on the coding strand, the complement: FANCL is on the minus strand). VCF-style: chr2-58229848-G-C. GRCh37 (hg19) VCF-style: chr2-58456983-G-C.
Other names: c.182C>G, p.Thr61Arg (NM_001114636.2, NM_001374615.1, NM_001410792.1); short protein forms T61R.
Identifiers: ClinVar variation 526421 (VCV000526421.4), dbSNP rs1315405264, ClinGen allele CA347034817.

ClinVar aggregate classification (germline): Uncertain significance (1 of 4 stars; one submission).

Conditions:
Fanconi anemia (FA). Also called: Fanconi's anemia. Identifiers: Orphanet 84, MedGen C0015625, MeSH D005199, MONDO:0019391.

Allele frequency attached by ClinVar (database versions not stated): gnomAD 0.00001; TOPMed 0.00002.
gnomAD v4.1: 17 of 1,610,608 alleles (0.0011%); highest among the groups gnomAD compares: African/African-American, 0.0027%; no homozygotes.

Submission:

Labcorp Genetics (formerly Invitae), Labcorp
Classification: Uncertain significance for Fanconi anemia. Last evaluated: 2025-12-09. Review status: criteria provided, single submitter. Criteria: Invitae Variant Classification Sherloc (09022015). Collection method: clinical testing. Allele origin: germline.
Comment: This sequence change replaces threonine, which is neutral and polar, with arginine, which is basic and polar, at codon 61 of the FANCL protein (p.Thr61Arg). This variant is not present in population databases (gnomAD no frequency). This variant has not been reported in the literature in individuals affected with FANCL-related conditions. ClinVar contains an entry for this variant (Variation ID: 526421). Invitae Evidence Modeling of protein sequence and biophysical properties (such as structural, functional, and spatial information, amino acid conservation, physicochemical variation, residue mobility, and thermodynamic stability) indicates that this missense variant is not expected to disrupt FANCL protein function with a negative predictive value of 80%. In summary, the available evidence is currently insufficient to determine the role of this variant in disease. Therefore, it has been classified as a Variant of Uncertain Significance.